The following is an entry in ClinVar:

ClinVar aggregate classification (germline): Conflicting classifications of pathogenicity. Review status: criteria provided, conflicting classifications (1 of 4 stars). 4 submissions from 4 submitters: Uncertain significance (2); Likely benign (2). Last evaluated 2024-06-27.

Conditions:
Autosomal recessive limb-girdle muscular dystrophy type 2J (LGMDR10). Also called: Limb-girdle muscular dystrophy, type 2J; MUSCULAR DYSTROPHY, LIMB-GIRDLE, AUTOSOMAL RECESSIVE 10. Identifiers: Orphanet 140922, MedGen C1837342, MONDO:0012127, OMIM 608807.
Dilated cardiomyopathy 1G (CMD1G). Identifiers: Orphanet 154, MedGen C1858763, MONDO:0011400, OMIM 604145.

Allele frequency attached by ClinVar (database versions not stated): gnomAD 0.00001; TOPMed 0.00002; ESP Exome Variant Server 0.00008; ExAC 0.00025.
gnomAD v4.1: 72 of 1,613,622 alleles (0.0045%); highest among the groups gnomAD compares: Non-Finnish European, 0.0055%; no homozygotes.

Submissions (4):

Blueprint Genetics
Classification: Likely benign. Last evaluated: 2024-06-27. Review status: criteria provided, single submitter. Criteria: ACMG Guidelines, 2015. Collection method: clinical testing. Allele origin: germline.

GeneDx
Classification: Likely benign. Last evaluated: 2018-02-05. Review status: criteria provided, single submitter. Criteria: GeneDx Variant Classification (06012015). Collection method: clinical testing. Allele origin: germline. Affected: yes.
Comment: This variant is considered likely benign or benign based on one or more of the following criteria: it is a conservative change, it occurs at a poorly conserved position in the protein, it is predicted to be benign by multiple in silico algorithms, and/or has population frequency not consistent with disease.

Labcorp Genetics (formerly Invitae), Labcorp
Classification: Uncertain significance for Dilated cardiomyopathy 1G; Autosomal recessive limb-girdle muscular dystrophy type 2J. Last evaluated: 2017-04-28. Review status: criteria provided, single submitter. Criteria: Invitae Variant Classification Sherloc (09022015). Collection method: clinical testing. Allele origin: germline.

Eurofins Ntd Llc (ga)
Classification: Uncertain significance. Last evaluated: 2017-03-21. Review status: criteria provided, single submitter. Criteria: EGL Classification Definitions 2015. Collection method: clinical testing. Allele origin: germline. Observed: 1 variant allele, 1 heterozygote.

NM_001267550.2(TTN):c.27198C>G (p.Asn9066Lys)

Gene: TTN (titin; minus strand). Cytogenetic location: 2q31.2.
Variant type: single nucleotide variant.
Coding change: c.27198C>G on transcript NM_001267550.2 (MANE Select); coding-DNA position 27198, C replaced by G.
Protein change: p.Asn9066Lys; replaces asparagine 9066 with lysine.
Molecular consequence: missense variant. On other transcripts: intron variant (3).
Genome position (GRCh38, 1-based): chr2:178,712,827, G>C on the plus strand (C>G on the coding strand, the complement: TTN is on the minus strand). VCF-style: chr2-178712827-G-C. GRCh37 (hg19) VCF-style: chr2-179577554-G-C.
Other names: c.26247C>G, p.Asn8749Lys (NM_001256850.1); c.23466C>G, p.Asn7822Lys (NM_133378.4); c.13282+25255C>G (NM_003319.4); c.13858+25255C>G (NM_133437.4); c.13657+25255C>G (NM_133432.3); short protein forms N9066K, N7822K, N8749K.
Identifiers: ClinVar variation 238729 (VCV000238729.8), dbSNP rs369529493, ClinGen allele CA1999851.
Genomic context (GRCh38, chr2:178,712,827, plus strand): 5'-ACTTTGTGATGTATCTACATCGAACAACTCCAGTTCAGCAACTGAATCCTCCAAAGACAC[G>C]TTGCATCTGTCACCTGGTACTAGTTCACTGCTACCTTTGAACCAGCTAACACTGAAAGGA-3'
Protein context (NP_001254479.2, residues 9056-9076): SSELVPGDRC[Asn9066Lys]VSLEDSVAEL